The following is an entry in ClinVar:

NM_004260.4(RECQL4):c.2025C>A (p.His675Gln)

Gene: RECQL4 (RecQ like helicase 4; minus strand). Cytogenetic location: 8q24.3.
Variant type: single nucleotide variant.
Coding change: c.2025C>A on transcript NM_004260.4 (MANE Select); coding-DNA position 2025, C replaced by A.
Protein change: p.His675Gln; replaces histidine 675 with glutamine.
Molecular consequence: missense variant.
Genome position (GRCh38, 1-based): chr8:144,513,961, G>T on the plus strand (C>A on the coding strand, the complement: RECQL4 is on the minus strand). VCF-style: chr8-144513961-G-T. GRCh37 (hg19) VCF-style: chr8-145739345-G-T.
Other names: short protein forms H675Q.
Identifiers: ClinVar variation 946065 (VCV000946065.6), dbSNP rs779458343, ClinGen allele CA372680286.

ClinVar aggregate classification (germline): Uncertain significance. Review status: criteria provided, multiple submitters, no conflicts (2 of 4 stars). 2 submissions from 2 submitters: Uncertain significance (2). Last evaluated 2026-03-13.

Conditions:
Baller-Gerold syndrome (BGS). Also called: CRANIOSYNOSTOSIS WITH RADIAL DEFECTS. Identifiers: Orphanet 1225, MedGen C0265308, MONDO:0009039, OMIM 218600.
Inborn genetic diseases. Identifiers: MedGen C0950123, MeSH D030342.

Submissions (2):

Ambry Genetics
Classification: Uncertain significance for Inborn genetic diseases. Last evaluated: 2026-03-13. Review status: criteria provided, single submitter. Criteria: Ambry Variant Classification Scheme 2023. Collection method: clinical testing. Allele origin: germline.
Comment: The p.H675Q variant (also known as c.2025C>A), located in coding exon 12 of the RECQL4 gene, results from a C to A substitution at nucleotide position 2025. The histidine at codon 675 is replaced by glutamine, an amino acid with highly similar properties. This amino acid position is conserved. In addition, this alteration is predicted to be tolerated by in silico analysis. Based on the available evidence, the clinical significance of this variant remains unclear.

Labcorp Genetics (formerly Invitae), Labcorp
Classification: Uncertain significance for Baller-Gerold syndrome. Last evaluated: 2019-04-24. Review status: criteria provided, single submitter. Criteria: Invitae Variant Classification Sherloc (09022015). Collection method: clinical testing. Allele origin: germline.
Comment: This variant is not present in population databases (ExAC no frequency). This variant has not been reported in the literature in individuals with RECQL4-related conditions. Algorithms developed to predict the effect of missense changes on protein structure and function are either unavailable or do not agree on the potential impact of this missense change (SIFT: "Deleterious"; PolyPhen-2: "Not Available"; Align-GVGD: "Class C0"). In summary, the available evidence is currently insufficient to determine the role of this variant in disease. Therefore, it has been classified as a Variant of Uncertain Significance. This sequence change replaces histidine with glutamine at codon 675 of the RECQL4 protein (p.His675Gln). The histidine residue is highly conserved and there is a small physicochemical difference between histidine and glutamine.